The following is an entry in ClinVar:

ClinVar aggregate classification (germline): Benign. Review status: criteria provided, multiple submitters, no conflicts (2 of 4 stars). 6 submissions from 6 submitters: Benign (5). 1 of the submissions does not count toward it. Last evaluated 2026-02-04.

Conditions:
HNSHA due to aldolase A deficiency (GSD12). Also called: GLYCOGEN STORAGE DISEASE XII; GSD XII; RED CELL ALDOLASE DEFICIENCY; Glycogen storage disease due to aldolase A deficiency. Identifiers: Orphanet 57, MedGen C0272066, MONDO:0012747, OMIM 611881.

Allele frequency attached by ClinVar (database versions not stated): ESP Exome Variant Server 0.11919; gnomAD 0.13976 and 0.14716; TOPMed 0.14027; gnomAD exomes 0.17611 and 0.19727; 1000 Genomes Project 30x 0.18551; 1000 Genomes Project 0.19209; ExAC 0.19375.
gnomAD v4.1: 279,211 of 1,613,384 alleles (17%); highest among the groups gnomAD compares: East Asian, 53%; 28,737 homozygotes.

Submissions (6):

Labcorp Genetics (formerly Invitae), Labcorp
Classification: Benign for HNSHA due to aldolase A deficiency. Last evaluated: 2026-02-04. Review status: criteria provided, single submitter. Criteria: Invitae Variant Classification Sherloc (09022015). Collection method: clinical testing. Allele origin: germline.

ARUP Laboratories, Molecular Genetics and Genomics, ARUP Laboratories
Classification: Benign for HNSHA due to aldolase A deficiency. Last evaluated: 2025-07-31. Review status: criteria provided, single submitter. Criteria: ARUP Molecular Germline Variant Investigation Process 2024. Collection method: clinical testing. Allele origin: germline.

Mendelics
Classification: Benign for HNSHA due to aldolase A deficiency. Last evaluated: 2019-05-28. Review status: criteria provided, single submitter. Criteria: Mendelics Assertion Criteria 2017. Collection method: clinical testing. Allele origin: unknown.

GeneDx
Classification: Benign. Last evaluated: 2015-12-16. Review status: criteria provided, single submitter. Criteria: GeneDx Variant Classification (06012015). Collection method: clinical testing. Allele origin: germline. Affected: yes.
Comment: This variant is considered likely benign or benign based on one or more of the following criteria: it is a conservative change, it occurs at a poorly conserved position in the protein, it is predicted to be benign by multiple in silico algorithms, and/or has population frequency not consistent with disease.

Breakthrough Genomics
Classification: Benign. Review status: criteria provided, single submitter. Criteria: ACMG Guidelines, 2015. Collection method: not provided. Allele origin: germline. Inheritance: Autosomal recessive inheritance. Affected: yes.

Mayo Clinic Laboratories, Mayo Clinic
Classification: Benign. Last evaluated: 2015-10-23. Review status: no assertion criteria provided. Collection method: clinical testing. Allele origin: unknown. Not counted in ClinVar's aggregate classification.

NM_001243177.4(ALDOA):c.1161+17G>T

Genes: ALDOA (aldolase, fructose-bisphosphate A; plus strand), LOC112694756 (uncharaterized LOC112694756; plus strand). Cytogenetic location: 16p11.2.
Variant type: single nucleotide variant.
Coding change: c.1161+17G>T on transcript NM_001243177.4 (MANE Select); 17 bases into the intron after coding-DNA position 1161, G replaced by T.
Molecular consequence: intron variant.
Genome position (GRCh38, 1-based): chr16:30,070,046, G>T. VCF-style: chr16-30070046-G-T. GRCh37 (hg19) VCF-style: chr16-30081367-G-T.
Other names: c.*1508+17G>T (NM_001365307.2, NM_001365305.2, NM_001365304.2); c.999+17G>T (NM_184043.2, NM_001127617.2, NM_184041.5).
Identifiers: ClinVar variation 379944 (VCV000379944.29), dbSNP rs2071390, ClinGen allele CA8001221.